The following is an entry in ClinVar:

ClinVar aggregate classification (germline): Likely benign. Review status: criteria provided, multiple submitters, no conflicts (2 of 4 stars). 3 submissions from 3 submitters: Likely benign (2). 1 of the submissions does not count toward it. Last evaluated 2025-05-14.

Conditions:
JAG1-related disorder. Also called: JAG1-related condition; JAG1-related disorders.
Alagille syndrome due to a JAG1 point mutation. Also called: HEPATIC DUCTULAR HYPOPLASIA, SYNDROMATIC; JAG1-Related Alagille Syndrome; Alagille Syndrome 1. Identifiers: Orphanet 261619, Orphanet 52, MedGen C1956125, MONDO:0016862, OMIM 118450.
Cardiovascular phenotype. Identifiers: MedGen CN230736.

Submissions (3):

Labcorp Genetics (formerly Invitae), Labcorp
Classification: Likely benign for Alagille syndrome due to a JAG1 point mutation. Last evaluated: 2025-05-14. Review status: criteria provided, single submitter. Criteria: Invitae Variant Classification Sherloc (09022015). Collection method: clinical testing. Allele origin: germline.

Ambry Genetics
Classification: Likely benign for Cardiovascular phenotype. Last evaluated: 2020-12-09. Review status: criteria provided, single submitter. Criteria: Ambry Variant Classification Scheme 2023. Collection method: clinical testing. Allele origin: germline.

PreventionGenetics, part of Exact Sciences
Classification: Likely benign for JAG1-related condition. Last evaluated: 2021-09-16. Review status: no assertion criteria provided. Collection method: clinical testing. Allele origin: germline. Not counted in ClinVar's aggregate classification.
Comment: This variant is classified as likely benign based on ACMG/AMP sequence variant interpretation guidelines (Richards et al. 2015 PMID: 25741868, with internal and published modifications).

NM_000214.3(JAG1):c.48C>T (p.Leu16=)

Gene: JAG1 (jagged canonical Notch ligand 1; minus strand). Cytogenetic location: 20p12.2.
Variant type: single nucleotide variant.
Coding change: c.48C>T on transcript NM_000214.3 (MANE Select); coding-DNA position 48, C replaced by T.
Protein change: p.Leu16=; no amino-acid change (leucine 16 retained).
Molecular consequence: synonymous variant.
Genome position (GRCh38, 1-based): chr20:10,673,483, G>A on the plus strand (C>T on the coding strand, the complement: JAG1 is on the minus strand). VCF-style: chr20-10673483-G-A. GRCh37 (hg19) VCF-style: chr20-10654131-G-A.
Identifiers: ClinVar variation 1569890 (VCV001569890.12), dbSNP rs901489977, ClinGen allele CA509663325.